The following is an entry in ClinVar:

NM_002291.3(LAMB1):c.416C>A (p.Thr139Asn)

Gene: LAMB1 (laminin subunit beta 1; minus strand). Cytogenetic location: 7q31.1.
Variant type: single nucleotide variant.
Coding change: c.416C>A on transcript NM_002291.3 (MANE Select); coding-DNA position 416, C replaced by A.
Protein change: p.Thr139Asn; replaces threonine 139 with asparagine.
Molecular consequence: missense variant.
Genome position (GRCh38, 1-based): chr7:107,994,894, G>T on the plus strand (C>A on the coding strand, the complement: LAMB1 is on the minus strand). VCF-style: chr7-107994894-G-T. GRCh37 (hg19) VCF-style: chr7-107635339-G-T.
Other names: short protein forms T139N.
Identifiers: ClinVar variation 4781993 (VCV004781993.1).

ClinVar aggregate classification (germline): Uncertain significance (1 of 4 stars; one submission).

Submission:

Labcorp Genetics (formerly Invitae), Labcorp
Classification: Uncertain significance. Last evaluated: 2025-12-30. Review status: criteria provided, single submitter. Criteria: Invitae Variant Classification Sherloc (09022015). Collection method: clinical testing. Allele origin: germline.
Comment: This sequence change replaces threonine, which is neutral and polar, with asparagine, which is neutral and polar, at codon 139 of the LAMB1 protein (p.Thr139Asn). This variant is not present in population databases (gnomAD no frequency). This variant has not been reported in the literature in individuals affected with LAMB1-related conditions. An algorithm developed to predict the effect of missense changes on protein structure and function (PolyPhen-2) suggests that this variant is likely to be disruptive. In summary, the available evidence is currently insufficient to determine the role of this variant in disease. Therefore, it has been classified as a Variant of Uncertain Significance.